The following is an entry in ClinVar:

NC_000015.9:g.(?_72987498)_(72987589_?)del

Gene: BBS4 (Bardet-Biedl syndrome 4; plus strand). Cytogenetic location: 15q24.1.
Variant type: Deletion.
Identifiers: ClinVar variation 3243766 (VCV003243766.1).

ClinVar aggregate classification (germline): Pathogenic (1 of 4 stars; one submission).

Conditions:
Bardet-Biedl syndrome (BBS). Identifiers: Orphanet 110, MedGen C0752166, MONDO:0015229.

Submission:

Labcorp Genetics (formerly Invitae), Labcorp
Classification: Pathogenic for Bardet-Biedl syndrome. Last evaluated: 2023-08-23. Review status: criteria provided, single submitter. Criteria: Invitae Variant Classification Sherloc (09022015). Collection method: clinical testing. Allele origin: unknown.
Comment: This variant is a gross deletion of the genomic region encompassing exon(s) 2 of the BBS4 gene. This deletion is out-of-frame, and is expected to create a premature termination codon and result in an absent or disrupted protein product. Loss-of-function variants in BBS4 are known to be pathogenic (PMID: 11381270, 12016587, 20177705, 27894351). This variant has not been reported in the literature in individuals affected with BBS4-related conditions. For these reasons, this variant has been classified as Pathogenic.

Literature cited by the submitters: PubMed 11381270; PubMed 12016587; PubMed 20177705; PubMed 27894351.